The following is an entry in ClinVar:

NM_183381.3(RNF13):c.296_297delinsAG (p.Arg99Lys)

Gene: RNF13 (ring finger protein 13; plus strand). Cytogenetic location: 3q25.1.
Variant type: Indel.
Coding change: c.296_297delinsAG on transcript NM_183381.3 (MANE Select); coding-DNA positions 296 to 297, GA replaced by AG.
Protein change: p.Arg99Lys; replaces arginine 99 with lysine.
Molecular consequence: missense variant. On other transcripts: 5 prime UTR variant (6), non-coding transcript variant (1).
Genome position (GRCh38, 1-based): chr3:149,872,129-149,872,130, GA replaced by AG. VCF-style: chr3-149872129-GA-AG. GRCh37 (hg19) VCF-style: chr3-149589916-GA-AG.
Other names: c.296_297delinsAG, p.Arg99Lys (NM_001378285.1, NM_001378286.1, NM_007282.4); c.-72_-71delinsAG (NM_001378287.1, NM_001378288.1, NM_001378289.1 and 2 more transcripts); c.-98_-97delinsAG (NM_001378291.1); short protein forms R99K.
Identifiers: ClinVar variation 3725723 (VCV003725723.2).
Genomic context (GRCh38, chr3:149,872,129, plus strand): 5'-CCATAGTGCCTCCACCAGTAAAAGACAATTCATCTGGCACTTTCATCGTGTTAATTAGAA[GA>AG]CTTGATTGTAATTTTGATATAAAGGTATGATTATCTTTTTTCATTTTTTGTTTCCTATTT-3'
Protein context (NP_899237.1, residues 89-109): SSGTFIVLIR[Arg99Lys]LDCNFDIKVL

ClinVar aggregate classification (germline): Uncertain significance (1 of 4 stars; one submission).

Submission:

Labcorp Genetics (formerly Invitae), Labcorp
Classification: Uncertain significance. Last evaluated: 2024-11-21. Review status: criteria provided, single submitter. Criteria: Invitae Variant Classification Sherloc (09022015). Collection method: clinical testing. Allele origin: germline.
Comment: This sequence change replaces arginine, which is basic and polar, with lysine, which is basic and polar, at codon 99 of the RNF13 protein (p.Arg99Lys). Information on the frequency of this variant in the gnomAD database is not available, as this variant may be reported differently in the database. This variant has not been reported in the literature in individuals affected with RNF13-related conditions. An algorithm developed to predict the effect of missense changes on protein structure and function (PolyPhen-2) suggests that this variant is likely to be disruptive. In summary, the available evidence is currently insufficient to determine the role of this variant in disease. Therefore, it has been classified as a Variant of Uncertain Significance.